The following is an entry in ClinVar:

ClinVar aggregate classification (germline): Uncertain significance (1 of 4 stars; one submission).

Conditions:
Nemaline myopathy 2 (NEM2). Also called: Nemaline myopathy 2, autosomal recessive. Identifiers: MedGen C1850569, MONDO:0009725, OMIM 256030.

Submission:

Labcorp Genetics (formerly Invitae), Labcorp
Classification: Uncertain significance for Nemaline myopathy 2. Last evaluated: 2020-10-15. Review status: criteria provided, single submitter. Criteria: Invitae Variant Classification Sherloc (09022015). Collection method: clinical testing. Allele origin: germline.
Comment: This variant has not been reported in the literature in individuals with NEB-related conditions. In summary, the available evidence is currently insufficient to determine the role of this variant in disease. Therefore, it has been classified as a Variant of Uncertain Significance. Algorithms developed to predict the effect of missense changes on protein structure and function are either unavailable or do not agree on the potential impact of this missense change (SIFT: "Deleterious"; PolyPhen-2: "Not Available"; Align-GVGD: "Class C0"). This variant is not present in population databases (ExAC no frequency). This sequence change replaces proline with arginine at codon 6659 of the NEB protein (p.Pro6659Arg). The proline residue is moderately conserved and there is a moderate physicochemical difference between proline and arginine.

NM_001164508.2(NEB):c.19976C>G (p.Pro6659Arg)

Gene: NEB (nebulin; minus strand). Cytogenetic location: 2q23.3.
Variant type: single nucleotide variant.
Coding change: c.19976C>G on transcript NM_001164508.2 (MANE Select); coding-DNA position 19976, C replaced by G.
Protein change: p.Pro6659Arg; replaces proline 6659 with arginine.
Molecular consequence: missense variant.
Genome position (GRCh38, 1-based): chr2:151,549,709, G>C on the plus strand (C>G on the coding strand, the complement: NEB is on the minus strand). VCF-style: chr2-151549709-G-C. GRCh37 (hg19) VCF-style: chr2-152406223-G-C.
Other names: c.19976C>G, p.Pro6659Arg (NM_001164507.2, NM_001271208.2); c.14873C>G, p.Pro4958Arg (NM_004543.5); short protein forms P4958R, P6659R.
Identifiers: ClinVar variation 1063609 (VCV001063609.9), dbSNP rs2153633083, ClinGen allele CA348786966.
Genomic context (GRCh38, chr2:151,549,709, plus strand): 5'-TAACGGGTGTCCTTGATGTGTTTGAAGTGAGGAGTGTCACCTGGAAGTCTATATCCAGTG[G>C]GCAGGGTGCGCAGGCTGGTTTTGTATAGATTCTGCAGGAATGAGGAAGAGCAGGTTAAAT-3'
Protein context (NP_001157980.2, residues 6649-6669): NLYKTSLRTL[Pro6659Arg]TGYRLPGDTP